The following is an entry in ClinVar:

NM_001376.5(DYNC1H1):c.13062C>T (p.Asp4354=)

Gene: DYNC1H1 (dynein cytoplasmic 1 heavy chain 1; plus strand). Cytogenetic location: 14q32.31.
Variant type: single nucleotide variant.
Coding change: c.13062C>T on transcript NM_001376.5 (MANE Select); coding-DNA position 13062, C replaced by T.
Protein change: p.Asp4354=; no amino-acid change (aspartic acid 4354 retained).
Molecular consequence: synonymous variant.
Genome position (GRCh38, 1-based): chr14:102,047,872, C>T. VCF-style: chr14-102047872-C-T. GRCh37 (hg19) VCF-style: chr14-102514209-C-T.
Identifiers: ClinVar variation 472516 (VCV000472516.15), dbSNP rs181697853, ClinGen allele CA7354135.

ClinVar aggregate classification (germline): Benign/Likely benign. Review status: criteria provided, multiple submitters, no conflicts (2 of 4 stars). 4 submissions from 4 submitters: Benign (1); Likely benign (2). 1 of the submissions does not count toward it. Last evaluated 2025-12-21.

Conditions:
DYNC1H1-related disorder. Also called: DYNC1H1-related condition; DYNC1H1-related disorders. Identifiers: MedGen CN381529.
Inborn genetic diseases. Identifiers: MedGen C0950123, MeSH D030342.
Charcot-Marie-Tooth disease axonal type 2O. Also called: CHARCOT-MARIE-TOOTH NEUROPATHY, AXONAL, TYPE 2O; CHARCOT-MARIE-TOOTH DISEASE, AXONAL, AUTOSOMAL DOMINANT, TYPE 2O; Charcot-Marie-Tooth Neuropathy Type 2O; Charcot-Marie-Tooth disease, axonal, type 20. Identifiers: Orphanet 284232, MedGen C3280220, MONDO:0013644, OMIM 614228.

Allele frequency attached by ClinVar (database versions not stated): gnomAD exomes 0.00003 and 0.00008; ExAC 0.00011; ESP Exome Variant Server 0.00038; gnomAD 0.00044 and 0.00048; TOPMed 0.00051; 1000 Genomes Project 0.00140; 1000 Genomes Project 30x 0.00172.
gnomAD v4.1: 120 of 1,613,624 alleles (0.0074%); highest among the groups gnomAD compares: African/African-American, 0.14%; 1 homozygote.

Submissions (4):

Labcorp Genetics (formerly Invitae), Labcorp
Classification: Benign for Charcot-Marie-Tooth disease axonal type 2O. Last evaluated: 2025-12-21. Review status: criteria provided, single submitter. Criteria: Invitae Variant Classification Sherloc (09022015). Collection method: clinical testing. Allele origin: germline.

GeneDx
Classification: Likely benign. Last evaluated: 2018-03-07. Review status: criteria provided, single submitter. Criteria: GeneDx Variant Classification (06012015). Collection method: clinical testing. Allele origin: germline. Affected: yes.
Comment: This variant is considered likely benign or benign based on one or more of the following criteria: it is a conservative change, it occurs at a poorly conserved position in the protein, it is predicted to be benign by multiple in silico algorithms, and/or has population frequency not consistent with disease.

Ambry Genetics
Classification: Likely benign for Inborn genetic diseases. Last evaluated: 2017-12-18. Review status: criteria provided, single submitter. Criteria: Ambry Variant Classification Scheme 2023. Collection method: clinical testing. Allele origin: germline.

PreventionGenetics, part of Exact Sciences
Classification: Likely benign for DYNC1H1-related condition. Last evaluated: 2024-06-19. Review status: no assertion criteria provided. Collection method: clinical testing. Allele origin: germline. Not counted in ClinVar's aggregate classification.
Comment: This variant is classified as likely benign based on ACMG/AMP sequence variant interpretation guidelines (Richards et al. 2015 PMID: 25741868, with internal and published modifications).